The following is an entry in ClinVar:

NM_004366.6(CLCN2):c.65T>A (p.Met22Lys)

Gene: CLCN2 (chloride voltage-gated channel 2; minus strand). Cytogenetic location: 3q27.1.
Variant type: single nucleotide variant.
Coding change: c.65T>A on transcript NM_004366.6 (MANE Select); coding-DNA position 65, T replaced by A.
Protein change: p.Met22Lys; replaces methionine 22 with lysine.
Molecular consequence: missense variant.
Genome position (GRCh38, 1-based): chr3:184,359,130, A>T on the plus strand (T>A on the coding strand, the complement: CLCN2 is on the minus strand). VCF-style: chr3-184359130-A-T. GRCh37 (hg19) VCF-style: chr3-184076918-A-T.
Other names: c.65T>A, p.Met22Lys (NM_001171087.3, NM_001171088.3, NM_001171089.3); short protein forms M22K.
Identifiers: ClinVar variation 441165 (VCV000441165.5), dbSNP rs758379595, ClinGen allele CA355458497.

ClinVar aggregate classification (germline): Pathogenic. Review status: no assertion criteria provided (0 of 4 stars). 2 submissions from 2 submitters: Pathogenic (2). Last evaluated 2019-09-30.

Conditions:
Familial hyperaldosteronism type II. Also called: FH II. Identifiers: Orphanet 404, MedGen C1854107, MONDO:0011576, OMIM 605635.

Submissions (2):

OMIM
Classification: Pathogenic for HYPERALDOSTERONISM, FAMILIAL, TYPE II. Last evaluated: 2019-09-30. Review status: no assertion criteria provided. Collection method: literature only. Allele origin: germline.

Ute Scholl Laboratory, Heinrich Heine University Duesseldorf
Classification: Pathogenic for Familial hyperaldosteronism type II. Last evaluated: 2017-09-25. Review status: no assertion criteria provided. Collection method: research, in vitro. Allele origin: de novo. Inheritance: Autosomal unknown. Affected: yes. Observed: 1 variant allele, 1 heterozygote. Functional consequence: protein gain of function.
Comment: Four independent occurrences of CLCN2 p.Arg172Gln, significant burden of rare variants in CLCN2 in early-onset primary aldosteronism (two de novo), localization of CLCN2 in adrenal zona glomerulosa, electrophysiologic impact of mutant channels and effect on aldosterone synthase expression

Literature cited by the submitters: PubMed 29403011 (cited by OMIM).